The following is an entry in ClinVar:

ClinVar aggregate classification (germline): Uncertain significance (1 of 4 stars; one submission).

gnomAD v4.1: 7 of 1,614,088 alleles (0.00043%); highest among the groups gnomAD compares: Admixed American, 0.01%; no homozygotes.

Submission:

Labcorp Genetics (formerly Invitae), Labcorp
Classification: Uncertain significance. Last evaluated: 2024-05-14. Review status: criteria provided, single submitter. Criteria: Invitae Variant Classification Sherloc (09022015). Collection method: clinical testing. Allele origin: germline.
Comment: This sequence change replaces alanine, which is neutral and non-polar, with threonine, which is neutral and polar, at codon 1268 of the DLC1 protein (p.Ala1268Thr). This variant is present in population databases (rs775333892, gnomAD 0.01%). This variant has not been reported in the literature in individuals affected with DLC1-related conditions. An algorithm developed to predict the effect of missense changes on protein structure and function (PolyPhen-2) suggests that this variant is likely to be disruptive. In summary, the available evidence is currently insufficient to determine the role of this variant in disease. Therefore, it has been classified as a Variant of Uncertain Significance.

NM_182643.3(DLC1):c.3802G>A (p.Ala1268Thr)

Gene: DLC1 (DLC1 Rho GTPase activating protein; minus strand). Cytogenetic location: 8p22.
Variant type: single nucleotide variant.
Coding change: c.3802G>A on transcript NM_182643.3 (MANE Select); coding-DNA position 3802, G replaced by A.
Protein change: p.Ala1268Thr; replaces alanine 1268 with threonine.
Molecular consequence: missense variant.
Genome position (GRCh38, 1-based): chr8:13,091,371, C>T on the plus strand (G>A on the coding strand, the complement: DLC1 is on the minus strand). VCF-style: chr8-13091371-C-T. GRCh37 (hg19) VCF-style: chr8-12948880-C-T.
Other names: c.2269G>A, p.Ala757Thr (NM_001164271.2, NM_001348082.2, NM_001348083.1 and 6 more transcripts); c.2593G>A, p.Ala865Thr (NM_001316668.2, NM_001413129.1); c.3802G>A, p.Ala1268Thr (NM_001348081.2, NM_001413124.1); c.2584G>A, p.Ala862Thr (NM_001413130.1); c.2242G>A, p.Ala748Thr (NM_001413131.1, NM_001413137.1); c.2728G>A, p.Ala910Thr (NM_001413132.1); c.2491G>A, p.Ala831Thr (NM_001413135.1, NM_001413136.1, NM_001413139.1 and 1 more transcripts); c.2626G>A, p.Ala876Thr (NM_001413140.1); short protein forms A876T, A1268T, A748T, A757T, A831T, A862T, A865T, A910T.
Identifiers: ClinVar variation 3714813 (VCV003714813.2).